The following is an entry in ClinVar:

ClinVar aggregate classification (germline): Uncertain significance (1 of 4 stars; one submission).

Conditions:
Adenylosuccinate lyase deficiency (ADSLD). Also called: ADSL DEFICIENCY. Identifiers: Orphanet 46, MedGen C0268126, MONDO:0007068, OMIM 103050.

Allele frequency attached by ClinVar (database versions not stated): TOPMed 0.00001.

Submission:

Labcorp Genetics (formerly Invitae), Labcorp
Classification: Uncertain significance for Adenylosuccinate lyase deficiency. Last evaluated: 2022-03-03. Review status: criteria provided, single submitter. Criteria: Invitae Variant Classification Sherloc (09022015). Collection method: clinical testing. Allele origin: germline.
Comment: This variant occurs in a non-coding region of the ADSL gene. It does not change the encoded amino acid sequence of the ADSL protein. This variant is not present in population databases (gnomAD no frequency). This variant has not been reported in the literature in individuals affected with ADSL-related conditions. Experimental studies and prediction algorithms are not available or were not evaluated, and the functional significance of this variant is currently unknown. In summary, the available evidence is currently insufficient to determine the role of this variant in disease. Therefore, it has been classified as a Variant of Uncertain Significance.

NC_000022.11:g.40345971C>T

Gene: ADSL (adenylosuccinate lyase; plus strand). Cytogenetic location: 22q13.1.
Variant type: single nucleotide variant.
Genome position: GRCh38 VCF-style: chr22-40345971-C-T. GRCh37 (hg19) VCF-style: chr22-40741975-C-T.
Identifiers: ClinVar variation 1439684 (VCV001439684.6), dbSNP rs1040260159, ClinGen allele CA324446461.